The following is an entry in ClinVar:

ClinVar aggregate classification (germline): Uncertain significance (1 of 4 stars; one submission).

Allele frequency attached by ClinVar (database versions not stated): gnomAD 0.00001.
gnomAD v4.1: 1 of 1,613,966 alleles (0.000062%); highest among the groups gnomAD compares: East Asian, 0.0022%; no homozygotes.

Submission:

Ambry Genetics
Classification: Uncertain significance. Last evaluated: 2021-06-14. Review status: criteria provided, single submitter. Criteria: Ambry Variant Classification Scheme 2023. Collection method: clinical testing. Allele origin: germline.
Comment: The p.E14G variant (also known as c.41A>G), located in coding exon 1 of the POLQ gene, results from an A to G substitution at nucleotide position 41. The glutamic acid at codon 14 is replaced by glycine, an amino acid with similar properties. This amino acid position is conserved. In addition, this alteration is predicted to be tolerated by in silico analysis. Since supporting evidence is limited at this time, the clinical significance of this alteration remains unclear.

NM_199420.4(POLQ):c.41A>G (p.Glu14Gly)

Genes: POLQ (DNA polymerase theta; minus strand), LOC112872292 (Sharpr-MPRA regulatory region 30; plus strand). Cytogenetic location: 3q13.33.
Variant type: single nucleotide variant.
Coding change: c.41A>G on transcript NM_199420.4 (MANE Select); coding-DNA position 41, A replaced by G.
Protein change: p.Glu14Gly; replaces glutamic acid 14 with glycine.
Molecular consequence: missense variant.
Genome position (GRCh38, 1-based): chr3:121,545,837, T>C on the plus strand (A>G on the coding strand, the complement: POLQ is on the minus strand). VCF-style: chr3-121545837-T-C. GRCh37 (hg19) VCF-style: chr3-121264684-T-C.
Other names: short protein forms E14G.
Identifiers: ClinVar variation 1738634 (VCV001738634.2), dbSNP rs2546828755, ClinGen allele CA354097738.